The following is an entry in ClinVar:

ClinVar aggregate classification (germline): Uncertain significance. Review status: criteria provided, multiple submitters, no conflicts (2 of 4 stars). 2 submissions from 2 submitters: Uncertain significance (2). Last evaluated 2026-07-01.

Conditions:
Congenital contractural arachnodactyly (CCA). Also called: Beals-Hecht syndrome; Arthrogryposis, distal, type 9; BEALS SYNDROME. Identifiers: Orphanet 115, MedGen C0220668, MONDO:0007363, OMIM 121050.

Allele frequency attached by ClinVar (database versions not stated): TOPMed below 0.00001.
gnomAD v4.1: 9 of 1,613,834 alleles (0.00056%); highest among the groups gnomAD compares: East Asian, 0.0022%; no homozygotes.

Submissions (2):

CeGaT Center for Human Genetics Tuebingen
Classification: Uncertain significance. Last evaluated: 2026-07-01. Review status: criteria provided, single submitter. Criteria: CeGaT Center For Human Genetics Tuebingen Variant Classification Criteria Version 2. Collection method: clinical testing. Allele origin: germline. Affected: yes. Observed: 1 variant allele.

Labcorp Genetics (formerly Invitae), Labcorp
Classification: Uncertain significance for Congenital contractural arachnodactyly. Last evaluated: 2024-06-30. Review status: criteria provided, single submitter. Criteria: Invitae Variant Classification Sherloc (09022015). Collection method: clinical testing. Allele origin: germline.
Comment: This sequence change replaces threonine, which is neutral and polar, with methionine, which is neutral and non-polar, at codon 1550 of the FBN2 protein (p.Thr1550Met). This variant is not present in population databases (gnomAD no frequency). This variant has not been reported in the literature in individuals affected with FBN2-related conditions. Advanced modeling of protein sequence and biophysical properties (such as structural, functional, and spatial information, amino acid conservation, physicochemical variation, residue mobility, and thermodynamic stability) performed at Invitae indicates that this missense variant is not expected to disrupt FBN2 protein function with a negative predictive value of 95%. In summary, the available evidence is currently insufficient to determine the role of this variant in disease. Therefore, it has been classified as a Variant of Uncertain Significance.

NM_001999.4(FBN2):c.4649C>T (p.Thr1550Met)

Gene: FBN2 (fibrillin 2; minus strand). Cytogenetic location: 5q23.3.
Variant type: single nucleotide variant.
Coding change: c.4649C>T on transcript NM_001999.4 (MANE Select); coding-DNA position 4649, C replaced by T.
Protein change: p.Thr1550Met; replaces threonine 1550 with methionine.
Molecular consequence: missense variant.
Genome position (GRCh38, 1-based): chr5:128,318,217, G>A on the plus strand (C>T on the coding strand, the complement: FBN2 is on the minus strand). VCF-style: chr5-128318217-G-A. GRCh37 (hg19) VCF-style: chr5-127653909-G-A.
Other names: short protein forms T1550M.
Identifiers: ClinVar variation 2906839 (VCV002906839.4), dbSNP rs1174261486, ClinGen allele CA360749710.